The following is an entry in ClinVar:

NM_001394062.1(MACF1):c.2548A>G (p.Ile850Val)

Gene: MACF1 (microtubule actin crosslinking factor 1; plus strand). Cytogenetic location: 1p34.3.
Variant type: single nucleotide variant.
Coding change: c.2548A>G on transcript NM_001394062.1 (MANE Select); coding-DNA position 2548, A replaced by G.
Protein change: p.Ile850Val; replaces isoleucine 850 with valine.
Molecular consequence: missense variant.
Genome position (GRCh38, 1-based): chr1:39,300,276, A>G. VCF-style: chr1-39300276-A-G. GRCh37 (hg19) VCF-style: chr1-39765948-A-G.
Other names: c.2563A>G, p.Ile855Val (NM_012090.5); short protein forms I850V, I855V.
Identifiers: ClinVar variation 4977405 (VCV004977405.1).

ClinVar aggregate classification (germline): Uncertain significance (1 of 4 stars; one submission).

Conditions:
MACF1-related disorder. Also called: MACF1-related condition.

gnomAD v4.1: 4 of 1,614,032 alleles (0.00025%); highest among the groups gnomAD compares: South Asian, 0.0033%; no homozygotes.

Submission:

PreventionGenetics, part of Exact Sciences
Classification: Uncertain significance for MACF1-related condition. Last evaluated: 2025-09-09. Review status: criteria provided, single submitter. Criteria: ACMG Guidelines, 2015. Collection method: clinical testing. Allele origin: germline.
Comment: The MACF1 c.2563A>G variant is predicted to result in the amino acid substitution p.Ile855Val. To our knowledge, this variant has not been reported in the literature or in a large population database (gnomAD), indicating this variant is rare. At this time, the clinical significance of this variant is uncertain due to the absence of conclusive functional and genetic evidence.